The following is an entry in ClinVar:

ClinVar aggregate classification (germline): Uncertain significance (1 of 4 stars; one submission).

Submission:

GeneDx
Classification: Uncertain significance. Last evaluated: 2024-02-09. Review status: criteria provided, single submitter. Criteria: GeneDx Variant Classification Process June 2021. Collection method: clinical testing. Allele origin: germline. Affected: yes.
Comment: Not observed at significant frequency in large population cohorts (gnomAD); In silico analysis supports that this missense variant has a deleterious effect on protein structure/function; Has not been previously published as pathogenic or benign to our knowledge

NM_004523.4(KIF11):c.1244A>T (p.Gln415Leu)

Gene: KIF11 (kinesin family member 11; plus strand). Cytogenetic location: 10q23.33.
Variant type: single nucleotide variant.
Coding change: c.1244A>T on transcript NM_004523.4 (MANE Select); coding-DNA position 1244, A replaced by T.
Protein change: p.Gln415Leu; replaces glutamine 415 with leucine.
Molecular consequence: missense variant.
Genome position (GRCh38, 1-based): chr10:92,628,834, A>T. VCF-style: chr10-92628834-A-T. GRCh37 (hg19) VCF-style: chr10-94388591-A-T.
Other names: short protein forms Q415L.
Identifiers: ClinVar variation 3369146 (VCV003369146.1).